The following is an entry in ClinVar:

NM_002661.5(PLCG2):c.1216G>A (p.Glu406Lys)

Gene: PLCG2 (phospholipase C gamma 2; plus strand). Cytogenetic location: 16q23.3.
Variant type: single nucleotide variant.
Coding change: c.1216G>A on transcript NM_002661.5 (MANE Select); coding-DNA position 1216, G replaced by A.
Protein change: p.Glu406Lys; replaces glutamic acid 406 with lysine.
Molecular consequence: missense variant.
Genome position (GRCh38, 1-based): chr16:81,900,634, G>A. VCF-style: chr16-81900634-G-A. GRCh37 (hg19) VCF-style: chr16-81934239-G-A.
Other names: short protein forms E406K.
Identifiers: ClinVar variation 2081397 (VCV002081397.4), dbSNP rs2507644632, ClinGen allele CA396899231.

ClinVar aggregate classification (germline): Uncertain significance (1 of 4 stars; one submission).

Conditions:
Familial cold autoinflammatory syndrome 3 (FCAS3). Also called: FAMILIAL ATYPICAL COLD URTICARIA; ANTIBODY DEFICIENCY AND IMMUNE DYSREGULATION, PLCG2-ASSOCIATED. Identifiers: Orphanet 300359, MedGen C3280914, MONDO:0013766, OMIM 614468.

Allele frequency attached by ClinVar (database versions not stated): gnomAD exomes below 0.00001.
gnomAD v4.1: 2 of 1,600,492 alleles (0.00012%); highest among the groups gnomAD compares: Non-Finnish European, 0.00017%; no homozygotes.

Submission:

Labcorp Genetics (formerly Invitae), Labcorp
Classification: Uncertain significance for Familial cold autoinflammatory syndrome 3. Last evaluated: 2022-08-31. Review status: criteria provided, single submitter. Criteria: Invitae Variant Classification Sherloc (09022015). Collection method: clinical testing. Allele origin: germline.
Comment: In summary, the available evidence is currently insufficient to determine the role of this variant in disease. Therefore, it has been classified as a Variant of Uncertain Significance. Algorithms developed to predict the effect of missense changes on protein structure and function (SIFT, PolyPhen-2, Align-GVGD) all suggest that this variant is likely to be disruptive. This variant has not been reported in the literature in individuals affected with PLCG2-related conditions. This variant is not present in population databases (gnomAD no frequency). This sequence change replaces glutamic acid, which is acidic and polar, with lysine, which is basic and polar, at codon 406 of the PLCG2 protein (p.Glu406Lys).